The following is an entry in ClinVar:

NM_003482.4(KMT2D):c.5801A>T (p.Asn1934Ile)

Gene: KMT2D (lysine methyltransferase 2D; minus strand). Cytogenetic location: 12q13.12.
Variant type: single nucleotide variant.
Coding change: c.5801A>T on transcript NM_003482.4 (MANE Select); coding-DNA position 5801, A replaced by T.
Protein change: p.Asn1934Ile; replaces asparagine 1934 with isoleucine.
Molecular consequence: missense variant.
Genome position (GRCh38, 1-based): chr12:49,042,627, T>A on the plus strand (A>T on the coding strand, the complement: KMT2D is on the minus strand). VCF-style: chr12-49042627-T-A. GRCh37 (hg19) VCF-style: chr12-49436410-T-A.
Other names: short protein forms N1934I.
Identifiers: ClinVar variation 3910955 (VCV003910955.2).

ClinVar aggregate classification (germline): Conflicting classifications of pathogenicity. Review status: criteria provided, conflicting classifications (1 of 4 stars). 2 submissions from 2 submitters: Uncertain significance (1); Likely benign (1). Last evaluated 2025-09-25.

Conditions:
Kabuki syndrome. Also called: NIIKAWA-KUROKI SYNDROME; Kabuki make-up syndrome. Identifiers: Orphanet 2322, MedGen C0796004, MONDO:0016512.

gnomAD v4.1: 3 of 1,613,532 alleles (0.00019%); highest among the groups gnomAD compares: Non-Finnish European, 0.00025%; no homozygotes.

Submissions (2):

Labcorp Genetics (formerly Invitae), Labcorp
Classification: Uncertain significance for Kabuki syndrome. Last evaluated: 2025-09-25. Review status: criteria provided, single submitter. Criteria: Invitae Variant Classification Sherloc (09022015). Collection method: clinical testing. Allele origin: germline.
Comment: This sequence change replaces asparagine, which is neutral and polar, with isoleucine, which is neutral and non-polar, at codon 1934 of the KMT2D protein (p.Asn1934Ile). This variant is not present in population databases (gnomAD no frequency). This variant has not been reported in the literature in individuals affected with KMT2D-related conditions. ClinVar contains an entry for this variant (Variation ID: 3910955). Invitae Evidence Modeling of protein sequence and biophysical properties (such as structural, functional, and spatial information, amino acid conservation, physicochemical variation, residue mobility, and thermodynamic stability) indicates that this missense variant is not expected to disrupt KMT2D protein function with a negative predictive value of 95%. In summary, the available evidence is currently insufficient to determine the role of this variant in disease. Therefore, it has been classified as a Variant of Uncertain Significance.

Laboratory of Genetics, Children's Clinical University Hospital Latvia
Classification: Likely benign. Last evaluated: 2025-02-16. Review status: criteria provided, single submitter. Criteria: ACMG Guidelines, 2015. Collection method: clinical testing. Allele origin: germline. Affected: yes.